The following is an entry in ClinVar:

ClinVar aggregate classification (germline): Uncertain significance. Review status: criteria provided, single submitter (1 of 4 stars). 2 submissions from 2 submitters: Uncertain significance (1). 1 of the submissions does not count toward it. Last evaluated 2024-11-25.

Conditions:
Charcot-Marie-Tooth disease axonal type 2U. Also called: CHARCOT-MARIE-TOOTH NEUROPATHY, TYPE 2U; CHARCOT-MARIE-TOOTH DISEASE, AXONAL, AUTOSOMAL DOMINANT, TYPE 2U. Identifiers: Orphanet 397735, MedGen C4084821, MONDO:0014566, OMIM 616280.

Allele frequency attached by ClinVar (database versions not stated): TOPMed 0.00001; gnomAD exomes 0.00004; ExAC 0.00005.
gnomAD v4.1: 30 of 1,613,750 alleles (0.0019%); highest among the groups gnomAD compares: East Asian, 0.065%; no homozygotes.

Submissions (2):

Women's Health and Genetics/Laboratory Corporation of America, LabCorp
Classification: Uncertain significance. Last evaluated: 2024-11-25. Review status: criteria provided, single submitter. Criteria: LabCorp Variant Classification Summary - May 2015. Collection method: clinical testing. Allele origin: germline.
Comment: Variant summary: MARS1 c.2398C>A (p.Pro800Thr) results in a non-conservative amino acid change located in the Methionyl-tRNA synthetase, anticodon-binding domain (IPR041872) of the encoded protein sequence. Three of five in-silico tools predict a damaging effect of the variant on protein function. The variant was absent in 1613750 control chromosomes. c.2398C>A has been reported in the literature in the presumed heterozygous state in multiple individuals affected with clinical features of autosomal dominant Charcot-Marie-Tooth disease axonal type 2U (example, Gillespie_2019). These report(s) do not provide unequivocal conclusions about association of the variant with Charcot-Marie-Tooth disease axonal type 2U. One publication reports experimental evidence evaluating an impact on protein function, however, does not allow convincing conclusions about the variant effect (example, Cui_2023). The following publications have been ascertained in the context of this evaluation (PMID: 36738734, 31356216). ClinVar contains an entry for this variant (Variation ID: 187857). Based on the evidence outlined above, the variant was classified as uncertain significance.

OMIM
Classification: Pathogenic for CHARCOT-MARIE-TOOTH DISEASE, AXONAL, TYPE 2U. Last evaluated: 2014-12-01. Review status: flagged submission. Collection method: literature only. Allele origin: germline. Not counted in ClinVar's aggregate classification.
ClinVar note: Notes: Flagging candidate with reason of insufficient supporting evidence. This gene has been classified as having a limited gene-disease relationship by a ClinGen Expert Panel.
ClinVar note: Reason: Other

Literature cited by the submitters: PubMed 36738734 (cited by Women's Health and Genetics/Laboratory Corporation of America, LabCorp); PubMed 31356216 (cited by Women's Health and Genetics/Laboratory Corporation of America, LabCorp); PubMed 24354524 (cited by OMIM).

NM_004990.4(MARS1):c.2398C>A (p.Pro800Thr)

Gene: MARS1 (methionyl-tRNA synthetase 1; plus strand). Cytogenetic location: 12q13.3.
Variant type: single nucleotide variant.
Coding change: c.2398C>A on transcript NM_004990.4 (MANE Select); coding-DNA position 2398, C replaced by A.
Protein change: p.Pro800Thr; replaces proline 800 with threonine.
Molecular consequence: missense variant.
Genome position (GRCh38, 1-based): chr12:57,515,926, C>A. VCF-style: chr12-57515926-C-A. GRCh37 (hg19) VCF-style: chr12-57909709-C-A.
Other names: short protein forms P800T.
Identifiers: ClinVar variation 187857 (VCV000187857.4), dbSNP rs781249411, ClinGen allele CA198548.